The following is an entry in ClinVar:

ClinVar aggregate classification (germline): Uncertain significance. Review status: criteria provided, multiple submitters, no conflicts (2 of 4 stars). 2 submissions from 2 submitters: Uncertain significance (2). Last evaluated 2024-11-15.

Allele frequency attached by ClinVar (database versions not stated): gnomAD 0.00001; gnomAD exomes 0.00001; ExAC 0.00002; TOPMed 0.00002.
gnomAD v4.1: 22 of 1,613,942 alleles (0.0014%); highest among the groups gnomAD compares: Non-Finnish European, 0.0019%; no homozygotes.

Submissions (2):

Ambry Genetics
Classification: Uncertain significance. Last evaluated: 2024-11-15. Review status: criteria provided, single submitter. Criteria: Ambry Variant Classification Scheme 2023. Collection method: clinical testing. Allele origin: germline.

GeneDx
Classification: Uncertain significance. Last evaluated: 2020-11-03. Review status: criteria provided, single submitter. Criteria: GeneDx Variant Classification Process June 2021. Collection method: clinical testing. Allele origin: germline. Affected: yes.
Comment: Not observed at a significant frequency in large population cohorts (Lek et al., 2016); In silico analysis supports that this missense variant has a deleterious effect on protein structure/function; In-silico analysis, which includes splice predictors and evolutionary conservation, is inconclusive as to whether the variant alters gene splicing. In the absence of RNA/functional studies, the actual effect of this sequence change is unknown.; Has not been previously published as pathogenic or benign to our knowledge

NM_002206.3(ITGA7):c.1283T>C (p.Val428Ala)

Gene: ITGA7 (integrin subunit alpha 7; minus strand). Cytogenetic location: 12q13.2.
Variant type: single nucleotide variant.
Coding change: c.1283T>C on transcript NM_002206.3 (MANE Select); coding-DNA position 1283, T replaced by C.
Protein change: p.Val428Ala; replaces valine 428 with alanine.
Molecular consequence: missense variant. On other transcripts: intron variant (1).
Genome position (GRCh38, 1-based): chr12:55,697,821, A>G on the plus strand (T>C on the coding strand, the complement: ITGA7 is on the minus strand). VCF-style: chr12-55697821-A-G. GRCh37 (hg19) VCF-style: chr12-56091605-A-G.
Other names: c.1295T>C, p.Val432Ala (NM_001144996.2, NM_001414029.1); c.1004T>C, p.Val335Ala (NM_001144997.2); c.956T>C, p.Val319Ala (NM_001367993.1); c.1283T>C, p.Val428Ala (NM_001374465.1, NM_001414034.1); c.1415T>C, p.Val472Ala (NM_001410977.1); c.1208T>C, p.Val403Ala (NM_001414030.1); c.1196T>C, p.Val399Ala (NM_001414031.1); c.1163T>C, p.Val388Ala (NM_001414032.1); and 3 more; short protein forms V319A, V335A, V428A, V432A, V472A, V367A, V315A, V388A.
Identifiers: ClinVar variation 1313479 (VCV001313479.3), dbSNP rs201554972, ClinGen allele CA6615996.